The following is an entry in ClinVar:

ClinVar aggregate classification (germline): Likely benign. Review status: criteria provided, multiple submitters, no conflicts (2 of 4 stars). 2 submissions from 2 submitters: Likely benign (2). Last evaluated 2024-08-09.

Conditions:
Hereditary cancer-predisposing syndrome. Also called: Hereditary neoplastic syndrome; Tumor predisposition; Hereditary Cancer Syndrome; Neoplastic Syndromes, Hereditary. Identifiers: Orphanet 140162, MedGen C0027672, MeSH D009386, MONDO:0015356.
Familial cancer of breast. Also called: Hereditary breast cancer; hereditary breast carcinoma; BREAST CANCER, FAMILIAL. Identifiers: Orphanet 227535, MedGen C0346153, MONDO:0016419, OMIM 114480. Disease mechanism: loss of function.

Submissions (2):

Myriad Genetics, Inc.
Classification: Likely benign for Familial cancer of breast. Last evaluated: 2024-08-09. Review status: criteria provided, single submitter. Criteria: Myriad Autosomal Dominant, Autosomal Recessive and X-Linked Classification Criteria (2023). Collection method: clinical testing. Allele origin: unknown.
Comment: This variant is considered likely benign. This variant is intronic and is not expected to impact mRNA splicing.

Color Diagnostics, LLC DBA Color Health
Classification: Likely benign for Hereditary cancer-predisposing syndrome. Last evaluated: 2017-07-17. Review status: criteria provided, single submitter. Criteria: ACMG Guidelines, 2015. Collection method: clinical testing. Allele origin: germline.

NM_032043.3(BRIP1):c.206-18A>G

Gene: BRIP1 (BRCA1 interacting DNA helicase 1; minus strand). Cytogenetic location: 17q23.2.
Variant type: single nucleotide variant.
Coding change: c.206-18A>G on transcript NM_032043.3 (MANE Select); 18 bases into the intron before coding-DNA position 206, A replaced by G.
Molecular consequence: intron variant.
Genome position (GRCh38, 1-based): chr17:61,857,249, T>C on the plus strand (A>G on the coding strand, the complement: BRIP1 is on the minus strand). VCF-style: chr17-61857249-T-C. GRCh37 (hg19) VCF-style: chr17-59934610-T-C.
Identifiers: ClinVar variation 491429 (VCV000491429.4), dbSNP rs1555617946, ClinGen allele CA658684173.
Genomic context (GRCh38, chr17:61,857,249, plus strand): 5'-TGTACTTCAGCTTTTTCACTTACGCCCTCATCTGCTGGTTTCCCTAAAAATGAAAGAACA[T>C]CTATTTATAATATATCTAATTAAATAAACATCAATCATTCTCTACAGCCCAGTTCACCCA-3'